The following is an entry in ClinVar:

NM_004168.4(SDHA):c.530G>C (p.Ser177Thr)

Gene: SDHA (succinate dehydrogenase complex flavoprotein subunit A; plus strand). Cytogenetic location: 5p15.33.
Variant type: single nucleotide variant.
Coding change: c.530G>C on transcript NM_004168.4 (MANE Select); coding-DNA position 530, G replaced by C.
Protein change: p.Ser177Thr; replaces serine 177 with threonine.
Molecular consequence: missense variant.
Genome position (GRCh38, 1-based): chr5:225,956, G>C. VCF-style: chr5-225956-G-C. GRCh37 (hg19) VCF-style: chr5-226071-G-C.
Other names: c.386G>C, p.Ser129Thr (NM_001294332.2); c.530G>C, p.Ser177Thr (NM_001330758.2); short protein forms S177T, S129T.
Identifiers: ClinVar variation 539671 (VCV000539671.14), dbSNP rs1553997783, ClinGen allele CA359010226.

ClinVar aggregate classification (germline): Uncertain significance. Review status: criteria provided, multiple submitters, no conflicts (2 of 4 stars). 2 submissions from 2 submitters: Uncertain significance (2). Last evaluated 2025-08-19.

Conditions:
Hereditary cancer-predisposing syndrome. Also called: Neoplastic Syndromes, Hereditary; Tumor predisposition; Hereditary neoplastic syndrome; Hereditary Cancer Syndrome. Identifiers: Orphanet 140162, MedGen C0027672, MeSH D009386, MONDO:0015356.
Mitochondrial complex II deficiency, nuclear type 1. Also called: SUCCINATE CoQ REDUCTASE DEFICIENCY. Identifiers: Orphanet 3208, MedGen C5700310, MONDO:0100294, OMIM 252011.
Pheochromocytoma/paraganglioma syndrome 5. Also called: Paragangliomas 5; SDHA-Related Hereditary Paraganglioma-Pheochromocytoma Syndrome. Identifiers: Orphanet 29072, MedGen C3279992, MONDO:0013602, OMIM 614165.

Allele frequency attached by ClinVar (database versions not stated): TOPMed below 0.00001; gnomAD 0.00001.
gnomAD v4.1: 1 of 1,614,010 alleles (0.000062%); highest among the groups gnomAD compares: Non-Finnish European, 0.000085%; no homozygotes.

Submissions (2):

Ambry Genetics
Classification: Uncertain significance for Hereditary cancer-predisposing syndrome. Last evaluated: 2025-08-19. Review status: criteria provided, single submitter. Criteria: Ambry Variant Classification Scheme 2023. Collection method: clinical testing. Allele origin: germline.
Comment: The p.S177T variant (also known as c.530G>C), located in coding exon 5 of the SDHA gene, results from a G to C substitution at nucleotide position 530. The serine at codon 177 is replaced by threonine, an amino acid with similar properties. This amino acid position is highly conserved in available vertebrate species. In addition, the in silico prediction for this alteration is inconclusive. Since supporting evidence is limited at this time, the clinical significance of this alteration remains unclear.

Labcorp Genetics (formerly Invitae), Labcorp
Classification: Uncertain significance for Pheochromocytoma/paraganglioma syndrome 5; Mitochondrial complex II deficiency, nuclear type 1. Last evaluated: 2024-05-08. Review status: criteria provided, single submitter. Criteria: Invitae Variant Classification Sherloc (09022015). Collection method: clinical testing. Allele origin: germline.
Comment: This sequence change replaces serine, which is neutral and polar, with threonine, which is neutral and polar, at codon 177 of the SDHA protein (p.Ser177Thr). This variant is not present in population databases (gnomAD no frequency). This variant has not been reported in the literature in individuals affected with SDHA-related conditions. ClinVar contains an entry for this variant (Variation ID: 539671). Advanced modeling of protein sequence and biophysical properties (such as structural, functional, and spatial information, amino acid conservation, physicochemical variation, residue mobility, and thermodynamic stability) performed at Invitae indicates that this missense variant is not expected to disrupt SDHA protein function with a negative predictive value of 95%. In summary, the available evidence is currently insufficient to determine the role of this variant in disease. Therefore, it has been classified as a Variant of Uncertain Significance.